The following is an entry in ClinVar:

ClinVar aggregate classification (germline): Benign. Review status: criteria provided, multiple submitters, no conflicts (2 of 4 stars). 4 submissions from 4 submitters: Benign (2). 2 of the submissions do not count toward it. Last evaluated 2026-01-28.

Conditions:
MCPH1-related disorder. Also called: MCPH1-related condition.
Microcephaly 1, primary, autosomal recessive (MCPH1). Also called: PREMATURE CHROMOSOME CONDENSATION SYNDROME; PCC SYNDROME; PREMATURE CHROMOSOME CONDENSATION WITH MICROCEPHALY AND MENTAL RETARDATION. Identifiers: Orphanet 2512, MedGen C1855081, MONDO:0009617, OMIM 251200.

Allele frequency attached by ClinVar (database versions not stated): gnomAD exomes 0.00063 and 0.00268; gnomAD 0.00082 and 0.00120; TOPMed 0.00113; ExAC 0.00243; 1000 Genomes Project 30x 0.00796; 1000 Genomes Project 0.00839.
gnomAD v4.1: 1,158 of 1,610,958 alleles (0.072%); highest among the groups gnomAD compares: East Asian, 2%; 12 homozygotes.

Submissions (4):

Labcorp Genetics (formerly Invitae), Labcorp
Classification: Benign. Last evaluated: 2026-01-28. Review status: criteria provided, single submitter. Criteria: Invitae Variant Classification Sherloc (09022015). Collection method: clinical testing. Allele origin: germline.

Illumina Laboratory Services, Illumina
Classification: Benign for Microcephaly 1, primary, autosomal recessive. Last evaluated: 2018-01-13. Review status: criteria provided, single submitter. Criteria: ICSL Variant Classification Criteria 13 December 2019. Collection method: clinical testing. Allele origin: germline.
Comment: This variant was observed in the ICSL laboratory as part of a predisposition screen in an ostensibly healthy population. It had not been previously curated by ICSL or reported in the Human Gene Mutation Database (HGMD: prior to June 1st, 2018), and was therefore a candidate for classification through an automated scoring system. Utilizing variant allele frequency, disease prevalence and penetrance estimates, and inheritance mode, an automated score was calculated to assess if this variant is too frequent to cause the disease. Based on the score and internal cut-off values, a variant classified as benign is not then subjected to further curation. The score for this variant resulted in a classification of benign for this disease.

PreventionGenetics, part of Exact Sciences
Classification: Benign for MCPH1-related condition. Last evaluated: 2024-02-27. Review status: no assertion criteria provided. Collection method: clinical testing. Allele origin: germline. Not counted in ClinVar's aggregate classification.
Comment: This variant is classified as benign based on ACMG/AMP sequence variant interpretation guidelines (Richards et al. 2015 PMID: 25741868, with internal and published modifications).

Genetic Services Laboratory, University of Chicago
Classification: Likely benign. Review status: no assertion criteria provided. Collection method: clinical testing. Allele origin: germline. Inheritance: Autosomal recessive inheritance. Not counted in ClinVar's aggregate classification.
Comment: Likely benign based on allele frequency in 1000 Genomes Project or ESP global frequency and its presence in a patient with a rare or unrelated disease phenotype. NOT Sanger confirmed

NM_024596.5(MCPH1):c.647T>C (p.Ile216Thr)

Gene: MCPH1 (microcephalin 1; plus strand). Cytogenetic location: 8p23.1.
Variant type: single nucleotide variant.
Coding change: c.647T>C on transcript NM_024596.5 (MANE Select); coding-DNA position 647, T replaced by C.
Protein change: p.Ile216Thr; replaces isoleucine 216 with threonine.
Molecular consequence: missense variant. On other transcripts: non-coding transcript variant (1).
Genome position (GRCh38, 1-based): chr8:6,442,133, T>C. VCF-style: chr8-6442133-T-C. GRCh37 (hg19) VCF-style: chr8-6299654-T-C.
Other names: c.647T>C, p.Ile216Thr (NM_001172574.2, NM_001322042.2, NM_001363979.1 and 1 more transcripts); c.503T>C, p.Ile168Thr (NM_001172575.2); c.641T>C, p.Ile214Thr (NM_001322043.2); c.545T>C, p.Ile182Thr (NM_001322045.2); c.647T>C (NM_001322042.1); short protein forms I216T, I168T, I182T, I214T.
Identifiers: ClinVar variation 158873 (VCV000158873.20), dbSNP rs75741316, ClinGen allele CA172541.